The following is an entry in ClinVar:

NM_025103.4(IFT74):c.1562A>G (p.Lys521Arg)

Gene: IFT74 (intraflagellar transport 74; plus strand). Cytogenetic location: 9p21.2.
Variant type: single nucleotide variant.
Coding change: c.1562A>G on transcript NM_025103.4 (MANE Select); coding-DNA position 1562, A replaced by G.
Protein change: p.Lys521Arg; replaces lysine 521 with arginine.
Molecular consequence: missense variant.
Genome position (GRCh38, 1-based): chr9:27,056,398, A>G. VCF-style: chr9-27056398-A-G. GRCh37 (hg19) VCF-style: chr9-27056396-A-G.
Other names: c.1562A>G, p.Lys521Arg (NM_001099222.3, NM_001099223.3, NM_001349928.2); c.1562A>G (NM_001099222.1); short protein forms K521R.
Identifiers: ClinVar variation 1933134 (VCV001933134.6), dbSNP rs1229501716, ClinGen allele CA373128879.

ClinVar aggregate classification (germline): Uncertain significance. Review status: criteria provided, multiple submitters, no conflicts (2 of 4 stars). 2 submissions from 2 submitters: Uncertain significance (2). Last evaluated 2025-11-26.

Conditions:
Inborn genetic diseases. Identifiers: MedGen C0950123, MeSH D030342.

Allele frequency attached by ClinVar (database versions not stated): gnomAD 0.00001; gnomAD exomes 0.00001; TOPMed 0.00001.
gnomAD v4.1: 14 of 1,601,026 alleles (0.00087%); highest among the groups gnomAD compares: Non-Finnish European, 0.0011%; no homozygotes.

Submissions (2):

Ambry Genetics
Classification: Uncertain significance for Inborn genetic diseases. Last evaluated: 2025-11-26. Review status: criteria provided, single submitter. Criteria: Ambry Variant Classification Scheme 2023. Collection method: clinical testing. Allele origin: germline.

Labcorp Genetics (formerly Invitae), Labcorp
Classification: Uncertain significance. Last evaluated: 2025-10-21. Review status: criteria provided, single submitter. Criteria: Invitae Variant Classification Sherloc (09022015). Collection method: clinical testing. Allele origin: germline.
Comment: This sequence change replaces lysine, which is basic and polar, with arginine, which is basic and polar, at codon 521 of the IFT74 protein (p.Lys521Arg). This variant is present in population databases (no rsID available, gnomAD 0.0009%). This variant has not been reported in the literature in individuals affected with IFT74-related conditions. ClinVar contains an entry for this variant (Variation ID: 1933134). An algorithm developed to predict the effect of missense changes on protein structure and function outputs the following: PolyPhen-2: "Benign". The arginine amino acid residue is found in multiple mammalian species, which suggests that this missense change does not adversely affect protein function. In summary, the available evidence is currently insufficient to determine the role of this variant in disease. Therefore, it has been classified as a Variant of Uncertain Significance.